The following is an entry in ClinVar:

NM_000532.5(PCCB):c.1022TTG[1] (p.Val342del)

Gene: PCCB (propionyl-CoA carboxylase subunit beta; plus strand). Cytogenetic location: 3q22.3.
Variant type: Microsatellite.
Coding change: c.1022TTG[1] on transcript NM_000532.5 (MANE Select); one copy of the 3-base unit TTG starting at c.1022; the reference has two copies in a row; one copy, 3 bases deleted.
Protein change: p.Val342del; deletes valine 342.
Molecular consequence: inframe deletion.
Genome position (GRCh38, 1-based): chr3:136,316,999-136,317,001, TTG deleted; deleting any 3 consecutive bases within chr3:136,316,996-136,317,001 gives the same sequence; the position shown is the placement nearest the transcript's 3' end. VCF-style (leftmost placement, unchanged base first): chr3-136316995-ATTG-A. GRCh37 (hg19) VCF-style: chr3-136035837-ATTG-A.
Other names: c.1082TTG[1], p.Val362del (NM_001178014.2); short protein forms V362del, V342del.
Identifiers: ClinVar variation 2781777 (VCV002781777.3), dbSNP rs771030934, ClinGen allele CA2631986.

ClinVar aggregate classification (germline): Uncertain significance (1 of 4 stars; one submission).

Conditions:
Propionic acidemia (PROP). Also called: KETOTIC HYPERGLYCINEMIA; GLYCINEMIA, KETOTIC; HYPERGLYCINEMIA WITH KETOACIDOSIS AND LEUKOPENIA. Identifiers: Orphanet 35, MedGen C0268579, MONDO:0011628, OMIM 606054, HP:0003571.

Submission:

Labcorp Genetics (formerly Invitae), Labcorp
Classification: Uncertain significance for Propionic acidemia. Last evaluated: 2023-04-28. Review status: criteria provided, single submitter. Criteria: Invitae Variant Classification Sherloc (09022015). Collection method: clinical testing. Allele origin: germline.
Comment: In summary, the available evidence is currently insufficient to determine the role of this variant in disease. Therefore, it has been classified as a Variant of Uncertain Significance. Experimental studies and prediction algorithms are not available or were not evaluated, and the functional significance of this variant is currently unknown. This variant has not been reported in the literature in individuals affected with PCCB-related conditions. This variant is present in population databases (rs771030934, gnomAD 0.01%). This variant, c.1025_1027del, results in the deletion of 1 amino acid(s) of the PCCB protein (p.Val342del), but otherwise preserves the integrity of the reading frame.